The following is an entry in ClinVar:

ClinVar aggregate classification (germline): Uncertain significance. Review status: criteria provided, multiple submitters, no conflicts (2 of 4 stars). 6 submissions from 6 submitters: Uncertain significance (6). Last evaluated 2024-08-13.

Conditions:
Congenital multicore myopathy with external ophthalmoplegia (CMYO1B). Also called: MULTICORE MYOPATHY; Congenital myopathy 1B, autosomal recessive; Minicore myopathy; MULTIMINICORE DISEASE WITH EXTERNAL OPHTHALMOPLEGIA; Minicore myopathy with external ophthalmoplegia. Identifiers: Orphanet 598, Orphanet 98905, MedGen C1850674, MONDO:0009712, OMIM 255320, HP:0003789.
Central core myopathy (CMYO1A). Also called: Central core disease; Myopathy, central fibrillar; CONGENITAL MYOPATHY 1A, AUTOSOMAL DOMINANT, WITH SUSCEPTIBILITY TO MALIGNANT HYPERTHERMIA. Identifiers: Orphanet 597, MedGen C5830701, MONDO:0007294, OMIM 117000.
Malignant hyperthermia, susceptibility to, 1 (MHS1). Also called: Malignant hyperthermia suceptibility 1; RYR1-Related Malignant Hyperthermia Susceptibility; Anesthesia related hyperthermia; Malignant hyperpyrexia; Fulminating hyperpyrexia; Pharmacogenic myopathy. Identifiers: Orphanet 423, MedGen C2930980, MONDO:0007783, OMIM 145600.
King Denborough syndrome (KDS). Identifiers: MedGen C1840365, MONDO:0020485, OMIM 619542.
Congenital myopathy with fiber type disproportion. Also called: Congenital fiber-type disproportion; Congenital fiber-type disproportion myopathy. Identifiers: MONDO:0009711, Orphanet 2020, MedGen C0546264. Inheritance: all.
RYR1-related disorder. Also called: RYR1-related disorders; RYR1-related condition. Identifiers: MedGen CN239331.

Allele frequency attached by ClinVar (database versions not stated): gnomAD exomes 0.00001 and 0.00003; ExAC 0.00002; gnomAD 0.00003 and 0.00004; TOPMed 0.00003; ESP Exome Variant Server 0.00008.
gnomAD v4.1: 44 of 1,614,074 alleles (0.0027%); highest among the groups gnomAD compares: Non-Finnish European, 0.0036%; no homozygotes.

Submissions (6):

All of Us Research Program, National Institutes of Health
Classification: Uncertain significance for Malignant hyperthermia, susceptibility to, 1. Last evaluated: 2024-08-13. Review status: criteria provided, single submitter. Criteria: ACMG Guidelines, 2015. Collection method: clinical testing. Allele origin: germline. Inheritance: Autosomal dominant inheritance. Observed: 5 variant alleles, 5 heterozygotes.
Comment: This missense variant replaces glutamic acid with glutamine at codon 823 of the RYR1 protein. Computational prediction suggests that this variant may not impact protein structure and function (internally defined REVEL score threshold <= 0.5, PMID: 27666373). To our knowledge, functional studies have not been reported for this variant. This variant has not been reported in individuals affected with RYR1-related disorders in the literature. This variant has been identified in 3/282880 chromosomes in the general population by the Genome Aggregation Database (gnomAD). The available evidence is insufficient to determine the role of this variant in disease conclusively. Therefore, this variant is classified as a Variant of Uncertain Significance.

This study involves interpretation of variants in research participants for the purpose of population health screening. Participant phenotype was not available at the time of variant classification. Additional details can be found in publication PMID: 35346344, PMCID: PMC8962531

Color Diagnostics, LLC DBA Color Health
Classification: Uncertain significance for Malignant hyperthermia, susceptibility to, 1. Last evaluated: 2024-07-24. Review status: criteria provided, single submitter. Criteria: ACMG Guidelines, 2015. Collection method: clinical testing. Allele origin: germline.
Comment: This missense variant replaces glutamic acid with glutamine at codon 823 of the RYR1 protein. Computational prediction suggests that this variant may not impact protein structure and function. To our knowledge, functional studies have not been reported for this variant. This variant has not been reported in individuals affected with RYR1-related disorders in the literature. This variant has been identified in 3/282880 chromosomes in the general population by the Genome Aggregation Database (gnomAD). The available evidence is insufficient to determine the role of this variant in disease conclusively. Therefore, this variant is classified as a Variant of Uncertain Significance.

Fulgent Genetics
Classification: Uncertain significance for Central core myopathy; Malignant hyperthermia, susceptibility to, 1; Congenital myopathy 4A, autosomal dominant; Congenital multicore myopathy with external ophthalmoplegia; King Denborough syndrome. Last evaluated: 2021-10-01. Review status: criteria provided, single submitter. Criteria: ACMG Guidelines, 2015. Collection method: clinical testing. Allele origin: unknown.

Labcorp Genetics (formerly Invitae), Labcorp
Classification: Uncertain significance for RYR1-related disorder. Last evaluated: 2021-08-27. Review status: criteria provided, single submitter. Criteria: Invitae Variant Classification Sherloc (09022015). Collection method: clinical testing. Allele origin: germline.
Comment: This sequence change replaces glutamic acid with glutamine at codon 823 of the RYR1 protein (p.Glu823Gln). The glutamic acid residue is moderately conserved and there is a small physicochemical difference between glutamic acid and glutamine. This variant is present in population databases (rs370490388, ExAC 0.01%). This variant has not been reported in the literature in individuals affected with RYR1-related conditions. ClinVar contains an entry for this variant (Variation ID: 224373). Algorithms developed to predict the effect of missense changes on protein structure and function output the following: SIFT: "Tolerated"; PolyPhen-2: "Benign"; Align-GVGD: "Class C0". The glutamine amino acid residue is found in multiple mammalian species, which suggests that this missense change does not adversely affect protein function. In summary, the available evidence is currently insufficient to determine the role of this variant in disease. Therefore, it has been classified as a Variant of Uncertain Significance.

Revvity Omics, Revvity
Classification: Uncertain significance. Last evaluated: 2019-05-24. Review status: criteria provided, single submitter. Criteria: ACMG Guidelines, 2015. Collection method: clinical testing. Allele origin: germline.

Biesecker Lab/Clinical Genomics Section, National Institutes of Health
Classification: Uncertain significance for Malignant hyperthermia, susceptibility to, 1. Last evaluated: 2013-07-01. Review status: criteria provided, single submitter. Criteria: Gonsalves et al. 2013. Collection method: research. Allele origin: unknown. Observed: 1 variant allele. Study: ClinSeq.
Comment: The study set was not selected for affection status in relation to any myopathy. Pathogenicity categories were based on literature curation. See Pubmed ID: 24195946 for details.

NM_000540.3(RYR1):c.2467G>C (p.Glu823Gln)

Gene: RYR1 (ryanodine receptor 1; plus strand). Cytogenetic location: 19q13.2.
Variant type: single nucleotide variant.
Coding change: c.2467G>C on transcript NM_000540.3 (MANE Select); coding-DNA position 2467, G replaced by C.
Protein change: p.Glu823Gln; replaces glutamic acid 823 with glutamine.
Molecular consequence: missense variant.
Genome position (GRCh38, 1-based): chr19:38,460,481, G>C. VCF-style: chr19-38460481-G-C. GRCh37 (hg19) VCF-style: chr19-38951121-G-C.
Other names: c.2467G>C, p.Glu823Gln (NM_001042723.2); short protein forms E823Q.
Identifiers: ClinVar variation 224373 (VCV000224373.13), dbSNP rs370490388, ClinGen allele CA063278.